The following is an entry in ClinVar:

ClinVar aggregate classification (germline): Uncertain significance (1 of 4 stars; one submission).

Conditions:
Inborn genetic diseases. Identifiers: MedGen C0950123, MeSH D030342.

Submission:

Ambry Genetics
Classification: Uncertain significance for Inborn genetic diseases. Last evaluated: 2026-09-05. Review status: criteria provided, single submitter. Criteria: Ambry Variant Classification Scheme 2023. Collection method: clinical testing. Allele origin: germline.
Comment: The p.A382G variant (also known as c.1145C>G), located in coding exon 1 of the SAMD9 gene, results from a C to G substitution at nucleotide position 1145. The alanine at codon 382 is replaced by glycine, an amino acid with similar properties. This amino acid position is conserved. In addition, this alteration is predicted to be tolerated by in silico analysis. Based on the available evidence, the clinical significance of this variant remains unclear.

NM_017654.4(SAMD9):c.1145C>G (p.Ala382Gly)

Gene: SAMD9 (sterile alpha motif domain containing 9; minus strand). Cytogenetic location: 7q21.2.
Variant type: single nucleotide variant.
Coding change: c.1145C>G on transcript NM_017654.4 (MANE Select); coding-DNA position 1145, C replaced by G.
Protein change: p.Ala382Gly; replaces alanine 382 with glycine.
Molecular consequence: missense variant.
Genome position (GRCh38, 1-based): chr7:93,104,953, G>C on the plus strand (C>G on the coding strand, the complement: SAMD9 is on the minus strand). VCF-style: chr7-93104953-G-C. GRCh37 (hg19) VCF-style: chr7-92734266-G-C.
Other names: c.1145C>G, p.Ala382Gly (NM_001193307.2); short protein forms A382G.
Identifiers: ClinVar variation 5028820 (VCV005028820.1).